The following is an entry in ClinVar:

ClinVar aggregate classification (germline): Uncertain significance (1 of 4 stars; one submission).

Submission:

GeneDx
Classification: Uncertain significance. Last evaluated: 2025-11-06. Review status: criteria provided, single submitter. Criteria: GeneDx Variant Classification Process June 2021. Collection method: clinical testing. Allele origin: germline. Affected: yes.
Comment: Not observed at significant frequency in large population cohorts (gnomAD); In silico analysis supports that this missense variant has a deleterious effect on protein structure/function; Does not affect a cysteine or calcium-binding residue within an EGF-like domain or a TGF-binding protein domain of the FBN1 gene; cysteine substitutions in the EGF-like domains represent the majority of pathogenic missense changes associated with FBN1-related disorders (PMID: 12938084); Has not been previously published as pathogenic or benign to our knowledge; This variant is associated with the following publications: (PMID: 12938084)

NM_000138.5(FBN1):c.4516C>T (p.Pro1506Ser)

Gene: FBN1 (fibrillin 1; minus strand). Cytogenetic location: 15q21.1.
Variant type: single nucleotide variant.
Coding change: c.4516C>T on transcript NM_000138.5 (MANE Select); coding-DNA position 4516, C replaced by T.
Protein change: p.Pro1506Ser; replaces proline 1506 with serine.
Molecular consequence: missense variant.
Genome position (GRCh38, 1-based): chr15:48,468,478, G>A on the plus strand (C>T on the coding strand, the complement: FBN1 is on the minus strand). VCF-style: chr15-48468478-G-A. GRCh37 (hg19) VCF-style: chr15-48760675-G-A.
Other names: p.P1506S:CCA>TCA; short protein forms P1506S.
Identifiers: ClinVar variation 200048 (VCV000200048.3), dbSNP rs794728224, ClinGen allele CA015149.